The following is an entry in ClinVar:

NM_170606.3(KMT2C):c.14643+5G>A

Gene: KMT2C (lysine methyltransferase 2C; minus strand). Cytogenetic location: 7q36.1.
Variant type: single nucleotide variant.
Coding change: c.14643+5G>A on transcript NM_170606.3 (MANE Select); 5 bases into the intron after coding-DNA position 14643, G replaced by A.
Molecular consequence: intron variant.
Genome position (GRCh38, 1-based): chr7:152,138,791, C>T on the plus strand (G>A on the coding strand, the complement: KMT2C is on the minus strand). VCF-style: chr7-152138791-C-T. GRCh37 (hg19) VCF-style: chr7-151835876-C-T.
Identifiers: ClinVar variation 4881292 (VCV004881292.2).

ClinVar aggregate classification (germline): Uncertain significance (1 of 4 stars; one submission).

Submission:

Dasa
Classification: Uncertain significance. Last evaluated: 2024-08-28. Review status: criteria provided, single submitter. Criteria: DASA Assertion Criteria. Collection method: clinical testing. Allele origin: germline.
Comment: NM_170606.3(KMT2C):c.14643+5G>A is a splice-region variant. This variant is absent from population databases. The currently available literature and clinical evidence are not sufficient to establish a definitive association between this variant and the reported condition. Therefore, this variant is classified as a variant of uncertain significance.